The following is an entry in ClinVar:

ClinVar aggregate classification (germline): Likely benign. Review status: criteria provided, multiple submitters, no conflicts (2 of 4 stars). 2 submissions from 2 submitters: Likely benign (2). Last evaluated 2025-06-26.

Allele frequency attached by ClinVar (database versions not stated): gnomAD 0.00002; TOPMed 0.00002; ExAC 0.00006; ESP Exome Variant Server 0.00008.
gnomAD v4.1: 36 of 1,613,970 alleles (0.0022%); highest among the groups gnomAD compares: Middle Eastern, 0.017%; no homozygotes.

Submissions (2):

Labcorp Genetics (formerly Invitae), Labcorp
Classification: Likely benign. Last evaluated: 2025-06-26. Review status: criteria provided, single submitter. Criteria: Invitae Variant Classification Sherloc (09022015). Collection method: clinical testing. Allele origin: germline.

CeGaT Center for Human Genetics Tuebingen
Classification: Likely benign. Last evaluated: 2024-05-01. Review status: criteria provided, single submitter. Criteria: CeGaT Center For Human Genetics Tuebingen Variant Classification Criteria Version 2. Collection method: clinical testing. Allele origin: germline. Affected: yes. Observed: 2 variant alleles.
Comment: ANK3: BP4, BP7

NM_020987.5(ANK3):c.4632G>A (p.Ser1544=)

Gene: ANK3 (ankyrin 3; minus strand). Cytogenetic location: 10q21.2.
Variant type: single nucleotide variant.
Coding change: c.4632G>A on transcript NM_020987.5 (MANE Select); coding-DNA position 4632, G replaced by A.
Protein change: p.Ser1544=; no amino-acid change (serine 1544 retained).
Molecular consequence: synonymous variant. On other transcripts: intron variant (4).
Genome position (GRCh38, 1-based): chr10:60,076,249, C>T on the plus strand (G>A on the coding strand, the complement: ANK3 is on the minus strand). VCF-style: chr10-60076249-C-T. GRCh37 (hg19) VCF-style: chr10-61836007-C-T.
Other names: c.4387+4288G>A (NM_001204403.2); c.4408+4288G>A (NM_001204404.2); c.4405+4288G>A (NM_001320874.2); c.1807+4288G>A (NM_001149.4).
Identifiers: ClinVar variation 2164982 (VCV002164982.28), dbSNP rs146324308, ClinGen allele CA5512138.
Genomic context (GRCh38, chr10:60,076,249, plus strand): 5'-AATGGATTTAACTGAAGATGTAGTTGACGCGCCTAATGTGGATTTGATTGGAGAAGGTGT[C>T]GAAACAGACCATATTGATTTTAACGGAGAAGCTGATGGCGTATTAGAGGAAGAACTTGAT-3'
Protein context (NP_066267.2, residues 1534-1554): ASPLKSIWSV[Ser1544=]TPSPIKSTLG